The following is an entry in ClinVar:

ClinVar aggregate classification (germline): Uncertain significance (1 of 4 stars; one submission).

Submission:

Ambry Genetics
Classification: Uncertain significance. Last evaluated: 2025-11-01. Review status: criteria provided, single submitter. Criteria: Ambry Variant Classification Scheme 2023. Collection method: clinical testing. Allele origin: germline.
Comment: The p.P874R variant (also known as c.2621C>G), located in coding exon 1 of the TET2 gene, results from a C to G substitution at nucleotide position 2621. The proline at codon 874 is replaced by arginine, an amino acid with dissimilar properties. This amino acid position is conserved. In addition, this alteration is predicted to be tolerated by in silico analysis. Based on the available evidence, the clinical significance of this variant remains unclear.

NM_001127208.3(TET2):c.2621C>G (p.Pro874Arg)

Genes: TET2 (tet methylcytosine dioxygenase 2; plus strand), TET2-AS1 (TET2 antisense RNA 1; minus strand). Cytogenetic location: 4q24.
Variant type: single nucleotide variant.
Coding change: c.2621C>G on transcript NM_001127208.3 (MANE Select); coding-DNA position 2621, C replaced by G.
Protein change: p.Pro874Arg; replaces proline 874 with arginine.
Molecular consequence: missense variant.
Genome position (GRCh38, 1-based): chr4:105,236,563, C>G. VCF-style: chr4-105236563-C-G. GRCh37 (hg19) VCF-style: chr4-106157720-C-G.
Other names: c.2621C>G, p.Pro874Arg (NM_017628.4); short protein forms P874R.
Identifiers: ClinVar variation 4594184 (VCV004594184.1).
Genomic context (GRCh38, chr4:105,236,563, plus strand): 5'-TTGCAGGAAACAAGACCCAAAACTTGCATCACATGCAATATTTTCCAAATAATGTGATCC[C>G]AAAGCAAGATCTTCTTCACAGGTGCTTTCAAGAACAGGAGCAGAAGTCACAACAAGCTTC-3'
Protein context (NP_001120680.1, residues 864-884): HMQYFPNNVI[Pro874Arg]KQDLLHRCFQ